The following is an entry in ClinVar:

ClinVar aggregate classification (germline): Uncertain significance (1 of 4 stars; one submission).

Conditions:
Achondrogenesis, type IA (ACG1A). Identifiers: Orphanet 932, Orphanet 93299, MedGen C0265273, MONDO:0008701, OMIM 200600.

Allele frequency attached by ClinVar (database versions not stated): ExAC 0.00004; gnomAD 0.00005; gnomAD exomes 0.00005; ESP Exome Variant Server 0.00008.
gnomAD v4.1: 83 of 1,613,800 alleles (0.0051%); highest among the groups gnomAD compares: Non-Finnish European, 0.0058%; no homozygotes.

Submission:

Labcorp Genetics (formerly Invitae), Labcorp
Classification: Uncertain significance for Achondrogenesis, type IA. Last evaluated: 2024-02-02. Review status: criteria provided, single submitter. Criteria: Invitae Variant Classification Sherloc (09022015). Collection method: clinical testing. Allele origin: germline.
Comment: This sequence change replaces arginine, which is basic and polar, with histidine, which is basic and polar, at codon 423 of the TRIP11 protein (p.Arg423His). This variant is present in population databases (rs200974550, gnomAD 0.008%). This variant has not been reported in the literature in individuals affected with TRIP11-related conditions. ClinVar contains an entry for this variant (Variation ID: 2071130). Advanced modeling of protein sequence and biophysical properties (such as structural, functional, and spatial information, amino acid conservation, physicochemical variation, residue mobility, and thermodynamic stability) performed at Invitae indicates that this missense variant is not expected to disrupt TRIP11 protein function with a negative predictive value of 80%. In summary, the available evidence is currently insufficient to determine the role of this variant in disease. Therefore, it has been classified as a Variant of Uncertain Significance.

NM_004239.4(TRIP11):c.1268G>A (p.Arg423His)

Gene: TRIP11 (thyroid hormone receptor interactor 11; minus strand). Cytogenetic location: 14q32.12.
Variant type: single nucleotide variant.
Coding change: c.1268G>A on transcript NM_004239.4 (MANE Select); coding-DNA position 1268, G replaced by A.
Protein change: p.Arg423His; replaces arginine 423 with histidine.
Molecular consequence: missense variant.
Genome position (GRCh38, 1-based): chr14:92,011,032, C>T on the plus strand (G>A on the coding strand, the complement: TRIP11 is on the minus strand). VCF-style: chr14-92011032-C-T. GRCh37 (hg19) VCF-style: chr14-92477376-C-T.
Other names: c.1265G>A, p.Arg422His (NM_001321851.1); short protein forms R423H, R422H.
Identifiers: ClinVar variation 2071130 (VCV002071130.2), dbSNP rs200974550, ClinGen allele CA7313974.